The following is an entry in ClinVar:

NM_017780.4(CHD7):c.328_329insGGAGG (p.Val110fs)

Gene: CHD7 (chromodomain helicase DNA binding protein 7; plus strand). Cytogenetic location: 8q12.2.
Variant type: Insertion.
Coding change: c.328_329insGGAGG on transcript NM_017780.4 (MANE Select); coding-DNA positions 328 to 329, GGAGG inserted.
Protein change: p.Val110fs; shifts the reading frame from valine 110.
Molecular consequence: frameshift variant.
Genome position: GRCh38 VCF-style: chr8-60741759-C-CGGGAG. GRCh37 (hg19) VCF-style: chr8-61654318-C-CGGGAG.
Other names: c.328_329insGGAGG, p.Val110fs (NM_001316690.1); short protein forms V110fs.
Identifiers: ClinVar variation 2021410 (VCV002021410.4), dbSNP rs2487261863, ClinGen allele CA2580078432.
Genomic context (GRCh38, chr8:60,741,759, plus strand): 5'-GATGAGCAACACCCCTGGGAACGGACTCGCGTCTCCGCACTCGCAGTATCACACCCCTCC[C>CGGGAG]GTTCCTCAGGTGCCCCATGGTGGCAGTGGTGGCGGTCAGATGGGTGTCTACCCTGGCATG-3'

ClinVar aggregate classification (germline): Pathogenic (1 of 4 stars; one submission).

Conditions:
CHARGE syndrome (CHARGE). Also called: Hittner Hirsch Kreh syndrome; CHARGE ASSOCIATION--COLOBOMA, HEART ANOMALY, CHOANAL ATRESIA, RETARDATION, GENITAL AND EAR ANOMALIES; Coloboma, heart anomaly, choanal atresia, retardation, genital and ear anomalies; CHARGE association; Hall-Hittner syndrome. Identifiers: Orphanet 138, MedGen C0265354, MONDO:0008965.

Submission:

Labcorp Genetics (formerly Invitae), Labcorp
Classification: Pathogenic for CHARGE syndrome. Last evaluated: 2022-08-12. Review status: criteria provided, single submitter. Criteria: Invitae Variant Classification Sherloc (09022015). Collection method: clinical testing. Allele origin: germline.
Comment: For these reasons, this variant has been classified as Pathogenic. This variant has not been reported in the literature in individuals affected with CHD7-related conditions. This variant is not present in population databases (gnomAD no frequency). This sequence change creates a premature translational stop signal (p.Val110Glyfs*103) in the CHD7 gene. It is expected to result in an absent or disrupted protein product. Loss-of-function variants in CHD7 are known to be pathogenic (PMID: 22461308, 25077900).

Literature cited by the submitters: PubMed 22461308; PubMed 25077900.